The following is an entry in ClinVar:

NM_030665.4(RAI1):c.3607G>A (p.Ala1203Thr)

Gene: RAI1 (retinoic acid induced 1; plus strand). Cytogenetic location: 17p11.2.
Variant type: single nucleotide variant.
Coding change: c.3607G>A on transcript NM_030665.4 (MANE Select); coding-DNA position 3607, G replaced by A.
Protein change: p.Ala1203Thr; replaces alanine 1203 with threonine.
Molecular consequence: missense variant.
Genome position (GRCh38, 1-based): chr17:17,796,555, G>A. VCF-style: chr17-17796555-G-A. GRCh37 (hg19) VCF-style: chr17-17699869-G-A.
Other names: c.3607G>A (NM_030665.3); short protein forms A1203T.
Identifiers: ClinVar variation 2050593 (VCV002050593.7), dbSNP rs770159371, ClinGen allele CA8418763.

ClinVar aggregate classification (germline): Conflicting classifications of pathogenicity. Review status: criteria provided, conflicting classifications (1 of 4 stars). 4 submissions from 4 submitters: Uncertain significance (1); Likely benign (3). Last evaluated 2026-08-01.

Conditions:
RAI1-related disorder. Also called: RAI1-related condition.
Inborn genetic diseases. Identifiers: MedGen C0950123, MeSH D030342.

Allele frequency attached by ClinVar (database versions not stated): TOPMed 0.00002; gnomAD exomes 0.00003; ExAC 0.00004.
gnomAD v4.1: 44 of 1,611,058 alleles (0.0027%); highest among the groups gnomAD compares: Admixed American, 0.0033%; no homozygotes.

Submissions (4):

CeGaT Center for Human Genetics Tuebingen
Classification: Likely benign. Last evaluated: 2026-08-01. Review status: criteria provided, single submitter. Criteria: CeGaT Center For Human Genetics Tuebingen Variant Classification Criteria Version 2. Collection method: clinical testing. Allele origin: germline. Affected: yes. Observed: 1 variant allele.
Comment: RAI1: BP4

PreventionGenetics, part of Exact Sciences
Classification: Uncertain significance for RAI1-related condition. Last evaluated: 2026-07-01. Review status: criteria provided, single submitter. Criteria: ACMG Guidelines, 2015. Collection method: clinical testing. Allele origin: germline.
Comment: The RAI1 c.3607G>A variant is predicted to result in the amino acid substitution p.Ala1203Thr. To our knowledge, this variant has not been reported in the literature. This variant is reported in 0.0062% of alleles in individuals of European (Non-Finnish) descent in gnomAD. At this time, the clinical significance of this variant is uncertain due to the absence of conclusive functional and genetic evidence.

Ambry Genetics
Classification: Likely benign for Inborn genetic diseases. Last evaluated: 2025-10-02. Review status: criteria provided, single submitter. Criteria: Ambry Variant Classification Scheme 2023. Collection method: clinical testing. Allele origin: germline.

Labcorp Genetics (formerly Invitae), Labcorp
Classification: Likely benign. Last evaluated: 2024-12-28. Review status: criteria provided, single submitter. Criteria: Invitae Variant Classification Sherloc (09022015). Collection method: clinical testing. Allele origin: germline.